The following is an entry in ClinVar:

ClinVar aggregate classification (germline): Conflicting classifications of pathogenicity. Review status: criteria provided, conflicting classifications (1 of 4 stars). 6 submissions from 6 submitters: Uncertain significance (4); Likely benign (1). 1 of the submissions does not count toward it. Last evaluated 2025-05-02.

Conditions:
Breast-ovarian cancer, familial, susceptibility to, 1 (BROVCA1). Also called: BRCA1 Hereditary Breast and Ovarian Cancer; OVARIAN CANCER, SUSCEPTIBILITY TO. Identifiers: Orphanet 145, MedGen C2676676, MONDO:0011450, OMIM 604370. Disease mechanism: loss of function.
Hereditary cancer-predisposing syndrome. Also called: Hereditary Cancer Syndrome; Hereditary neoplastic syndrome; Neoplastic Syndromes, Hereditary; Tumor predisposition. Identifiers: Orphanet 140162, MedGen C0027672, MeSH D009386, MONDO:0015356.
Hereditary breast ovarian cancer syndrome. Also called: BRCA1- and BRCA2-Associated Hereditary Breast and Ovarian Cancer; Hereditary breast and ovarian cancer syndrome; Hereditary breast and ovarian cancer syndrome (HBOC); Breast and ovarian cancer; Hereditary breast and/or ovarian cancer syndrome; Hereditary breast and ovarian cancer. Identifiers: Orphanet 145, MedGen C0677776, MeSH D061325, MONDO:0003582. Disease mechanism: loss of function.

Allele frequency attached by ClinVar (database versions not stated): gnomAD 0.00001; gnomAD exomes below 0.00001.
gnomAD v4.1: 3 of 1,613,844 alleles (0.00019%); highest among the groups gnomAD compares: Admixed American, 0.0017%; no homozygotes.

Submissions (7):

Labcorp Genetics (formerly Invitae), Labcorp
Classification: Uncertain significance for Hereditary breast ovarian cancer syndrome. Last evaluated: 2025-05-02. Review status: criteria provided, single submitter. Criteria: Invitae Variant Classification Sherloc (09022015). Collection method: clinical testing. Allele origin: germline.
Comment: This sequence change replaces glycine, which is neutral and non-polar, with glutamic acid, which is acidic and polar, at codon 1710 of the BRCA1 protein (p.Gly1710Glu). This variant is not present in population databases (gnomAD no frequency). This missense change has been observed in individual(s) with breast cancer (PMID: 35264596). ClinVar contains an entry for this variant (Variation ID: 91638). Invitae Evidence Modeling incorporating data from in vitro experimental studies (PMID: 30209399) indicates that this missense variant is not expected to disrupt BRCA1 function with a negative predictive value of 95%. Experimental studies have shown that this missense change does not substantially affect BRCA1 function (PMID: 30209399, 30257991). In summary, the available evidence is currently insufficient to determine the role of this variant in disease. Therefore, it has been classified as a Variant of Uncertain Significance.

Baylor Genetics
Classification: Uncertain significance for Breast-ovarian cancer, familial, susceptibility to, 1. Last evaluated: 2023-07-18. Review status: criteria provided, single submitter. Criteria: ACMG Guidelines, 2015. Collection method: clinical testing. Allele origin: unknown.

Ambry Genetics
Classification: Likely benign for Hereditary cancer-predisposing syndrome. Last evaluated: 2022-07-21. Review status: criteria provided, single submitter. Criteria: Ambry Variant Classification Scheme 2023. Collection method: clinical testing. Allele origin: germline.

Color Diagnostics, LLC DBA Color Health
Classification: Uncertain significance for Hereditary cancer-predisposing syndrome. Last evaluated: 2021-04-21. Review status: criteria provided, single submitter. Criteria: ACMG Guidelines, 2015. Collection method: clinical testing. Allele origin: germline.
Comment: This missense variant replaces glycine with glutamic acid at codon 1710 of the BRCA1 protein. Computational prediction suggests that this variant may have deleterious impact on protein structure and function (internally defined REVEL score threshold >= 0.7, PMID: 27666373). However, a functional study reported that this variant does not impact BRCA1 function in a haploid human cell proliferation assay (PMID: 30209399). This variant has not been reported in individuals affected with hereditary cancer in the literature. This variant has not been identified in the general population by the Genome Aggregation Database (gnomAD). The available evidence is insufficient to determine the role of this variant in disease conclusively. Therefore, this variant is classified as a Variant of Uncertain Significance.

Mendelics
Classification: Uncertain significance for Hereditary breast and ovarian cancer syndrome. Last evaluated: 2018-07-02. Review status: criteria provided, single submitter. Criteria: Mendelics Assertion Criteria 2017. Collection method: clinical testing. Allele origin: unknown.

Sharing Clinical Reports Project (SCRP)
Classification: Uncertain significance for Breast-ovarian cancer, familial 1. Last evaluated: 2008-03-03. Review status: no assertion criteria provided. Collection method: clinical testing. Allele origin: germline. Not counted in ClinVar's aggregate classification.

Brotman Baty Institute, University of Washington
No classification provided (evidence only). Condition: Breast-ovarian cancer, familial 1. Review status: no classification provided. Collection method: in vitro. Allele origin: not applicable. Functional consequence: functionally_normal. Not counted in ClinVar's aggregate classification.
ClinVar note: "not provided" was previously submitted as the classification for the variant. However, the classification appeared to be based only on an observation of functional data so it was converted to no classification on 2025-07-30.

Literature cited by the submitters: PubMed 35264596 (cited by Labcorp Genetics (formerly Invitae), Labcorp); PubMed 30209399 (cited by Labcorp Genetics (formerly Invitae), Labcorp); PubMed 30257991 (cited by Labcorp Genetics (formerly Invitae), Labcorp).

NM_007294.4(BRCA1):c.5129G>A (p.Gly1710Glu)

Gene: BRCA1 (BRCA1 DNA repair associated; minus strand). Cytogenetic location: 17q21.31.
Variant type: single nucleotide variant.
Coding change: c.5129G>A on transcript NM_007294.4 (MANE Select); coding-DNA position 5129, G replaced by A.
Protein change: p.Gly1710Glu; replaces glycine 1710 with glutamic acid.
Molecular consequence: missense variant. On other transcripts: non-coding transcript variant (1).
Genome position (GRCh38, 1-based): chr17:43,063,897, C>T on the plus strand (G>A on the coding strand, the complement: BRCA1 is on the minus strand). VCF-style: chr17-43063897-C-T. GRCh37 (hg19) VCF-style: chr17-41215914-C-T.
Other names: 5248G>A; c.5126G>A, p.Gly1709Glu (NM_001407610.1, NM_001407611.1, NM_001407612.1 and 17 more transcripts); c.5123G>A, p.Gly1708Glu (NM_001407629.1, NM_001407630.1, NM_001407631.1 and 14 more transcripts); c.5069G>A, p.Gly1690Glu (NM_001407649.1); c.5051G>A, p.Gly1684Glu (NM_001407653.1, NM_001407654.1, NM_001407655.1); c.5048G>A, p.Gly1683Glu (NM_001407656.1, NM_001407657.1, NM_001407658.1); c.5045G>A, p.Gly1682Glu (NM_001407659.1, NM_001407660.1, NM_001407661.1 and 2 more transcripts); c.5003G>A, p.Gly1668Glu (NM_001407671.1, NM_001407672.1, NM_001407673.1 and 10 more transcripts); and 72 more; short protein forms G1710E, G606E, G1663E, G1731E, G1556E, G1581E, G1638E, G1705E.
Identifiers: ClinVar variation 91638 (VCV000091638.23), dbSNP rs398122691, ClinGen allele CA003258.